The following is an entry in ClinVar:

ClinVar aggregate classification (germline): Uncertain significance (1 of 4 stars; one submission).

Allele frequency attached by ClinVar (database versions not stated): gnomAD exomes below 0.00001.
gnomAD v4.1: 7 of 1,613,896 alleles (0.00043%); highest among the groups gnomAD compares: African/African-American, 0.0013%; no homozygotes.

Submission:

Labcorp Genetics (formerly Invitae), Labcorp
Classification: Uncertain significance. Last evaluated: 2021-05-03. Review status: criteria provided, single submitter. Criteria: Invitae Variant Classification Sherloc (09022015). Collection method: clinical testing. Allele origin: germline.
Comment: This sequence change replaces leucine with phenylalanine at codon 1842 of the PCLO protein (p.Leu1842Phe). The leucine residue is moderately conserved and there is a small physicochemical difference between leucine and phenylalanine. In summary, the available evidence is currently insufficient to determine the role of this variant in disease. Therefore, it has been classified as a Variant of Uncertain Significance. This variant is not present in population databases (ExAC no frequency). This variant has not been reported in the literature in individuals with PCLO-related conditions. Algorithms developed to predict the effect of missense changes on protein structure and function are either unavailable or do not agree on the potential impact of this missense change (SIFT: "Deleterious"; PolyPhen-2: "Not Available"; Align-GVGD: "Class C0").

NM_033026.6(PCLO):c.5526A>T (p.Leu1842Phe)

Gene: PCLO (piccolo presynaptic cytomatrix protein; minus strand). Cytogenetic location: 7q21.11.
Variant type: single nucleotide variant.
Coding change: c.5526A>T on transcript NM_033026.6 (MANE Select); coding-DNA position 5526, A replaced by T.
Protein change: p.Leu1842Phe; replaces leucine 1842 with phenylalanine.
Molecular consequence: missense variant.
Genome position (GRCh38, 1-based): chr7:82,955,427, T>A on the plus strand (A>T on the coding strand, the complement: PCLO is on the minus strand). VCF-style: chr7-82955427-T-A. GRCh37 (hg19) VCF-style: chr7-82584743-T-A.
Other names: c.5526A>T, p.Leu1842Phe (NM_014510.3); short protein forms L1842F.
Identifiers: ClinVar variation 1392689 (VCV001392689.8), dbSNP rs2115564979, ClinGen allele CA367924006.
Genomic context (GRCh38, chr7:82,955,427, plus strand): 5'-GCTAGGTGAATATTCAGAACAAGAAGATCTATGGAGCTCCTCCATTTCTGCAGCCTGACG[T>A]AACTCTTCTGTCGGAGATGCATCTTCAATGGGAGAGAGATTACTAGGTGGTGTCTTTGGC-3'
Protein context (NP_149015.2, residues 1832-1852): PIEDASPTEE[Leu1842Phe]RQAAEMEELH